The following is an entry in ClinVar:

NM_025114.4(CEP290):c.6120A>T (p.Thr2040=)

Gene: CEP290 (centrosomal protein 290; minus strand). Cytogenetic location: 12q21.32.
Variant type: single nucleotide variant.
Coding change: c.6120A>T on transcript NM_025114.4 (MANE Select); coding-DNA position 6120, A replaced by T.
Protein change: p.Thr2040=; no amino-acid change (threonine 2040 retained).
Molecular consequence: synonymous variant.
Genome position (GRCh38, 1-based): chr12:88,068,537, T>A on the plus strand (A>T on the coding strand, the complement: CEP290 is on the minus strand). VCF-style: chr12-88068537-T-A. GRCh37 (hg19) VCF-style: chr12-88462314-T-A.
Identifiers: ClinVar variation 1124018 (VCV001124018.10), dbSNP rs766265410, ClinGen allele CA481071281.

ClinVar aggregate classification (germline): Likely benign. Review status: criteria provided, multiple submitters, no conflicts (2 of 4 stars). 2 submissions from 2 submitters: Likely benign (2). Last evaluated 2026-07-01.

Conditions:
Joubert syndrome. Also called: JOUBERT-BOLTSHAUSER SYNDROME; Familial aplasia of the vermis. Identifiers: Orphanet 475, MedGen C5979921, MONDO:0018772.
Meckel-Gruber syndrome. Also called: DYSENCEPHALIA SPLANCHNOCYSTICA; GRUBER SYNDROME; Dysencephalia splachnocystica. Identifiers: Orphanet 564, MedGen C0265215, MONDO:0018921.
Nephronophthisis. Also called: Juvenile Nephronophthisis. Identifiers: Orphanet 655, MedGen C0687120, MONDO:0019005, HP:0000090.

Submissions (2):

CeGaT Center for Human Genetics Tuebingen
Classification: Likely benign. Last evaluated: 2026-07-01. Review status: criteria provided, single submitter. Criteria: CeGaT Center For Human Genetics Tuebingen Variant Classification Criteria Version 2. Collection method: clinical testing. Allele origin: germline. Affected: yes. Observed: 1 variant allele.
Comment: CEP290: PM2:Supporting, BP4, BP7

Labcorp Genetics (formerly Invitae), Labcorp
Classification: Likely benign for Joubert syndrome; Meckel-Gruber syndrome; Nephronophthisis. Last evaluated: 2023-12-06. Review status: criteria provided, single submitter. Criteria: Invitae Variant Classification Sherloc (09022015). Collection method: clinical testing. Allele origin: germline.